The following is an entry in ClinVar:

ClinVar aggregate classification (germline): Uncertain significance. Review status: criteria provided, multiple submitters, no conflicts (2 of 4 stars). 2 submissions from 2 submitters: Uncertain significance (2). Last evaluated 2025-07-09.

Conditions:
Cardiomyopathy (CMYO). Also called: Cardiomyopathies. Identifiers: Orphanet 167848, MedGen C0878544, MONDO:0004994, HP:0001638. Inheritance: Various modes of inheritance.

Submissions (2):

Color Diagnostics, LLC DBA Color Health
Classification: Uncertain significance for Cardiomyopathy. Last evaluated: 2025-07-09. Review status: criteria provided, single submitter. Criteria: ACMG Guidelines, 2015. Collection method: clinical testing. Allele origin: germline.
Comment: This missense variant replaces asparagine with lysine at codon 923 of the MYH7 protein. Computational prediction suggests that this variant may not impact protein structure and function. To our knowledge, functional studies have not been reported for this variant. This variant has not been reported in individuals affected with MYH7-related disorders in the literature. This variant has not been identified in the general population by the Genome Aggregation Database (gnomAD). The available evidence is insufficient to determine the role of this variant in disease conclusively. Therefore, this variant is classified as a Variant of Uncertain Significance.

Blueprint Genetics
Classification: Uncertain significance. Last evaluated: 2024-07-24. Review status: criteria provided, single submitter. Criteria: ACMG Guidelines, 2015. Collection method: clinical testing. Allele origin: germline.

NM_000257.4(MYH7):c.2769C>G (p.Asn923Lys)

Gene: MYH7 (myosin heavy chain 7; minus strand). Cytogenetic location: 14q11.2.
Variant type: single nucleotide variant.
Coding change: c.2769C>G on transcript NM_000257.4 (MANE Select); coding-DNA position 2769, C replaced by G.
Protein change: p.Asn923Lys; replaces asparagine 923 with lysine.
Molecular consequence: missense variant.
Genome position (GRCh38, 1-based): chr14:23,424,060, G>C on the plus strand (C>G on the coding strand, the complement: MYH7 is on the minus strand). VCF-style: chr14-23424060-G-C. GRCh37 (hg19) VCF-style: chr14-23893269-G-C.
Other names: c.2769C>G, p.Asn923Lys (NM_001407004.1); short protein forms N923K.
Identifiers: ClinVar variation 4758871 (VCV004758871.2).